The following is an entry in ClinVar:

NM_020810.3(TRMT5):c.235G>A (p.Val79Ile)

Gene: TRMT5 (tRNA methyltransferase 5; minus strand). Cytogenetic location: 14q23.1.
Variant type: single nucleotide variant.
Coding change: c.235G>A on transcript NM_020810.3 (MANE Select); coding-DNA position 235, G replaced by A.
Protein change: p.Val79Ile; replaces valine 79 with isoleucine.
Molecular consequence: missense variant.
Genome position (GRCh38, 1-based): chr14:60,979,663, C>T on the plus strand (G>A on the coding strand, the complement: TRMT5 is on the minus strand). VCF-style: chr14-60979663-C-T. GRCh37 (hg19) VCF-style: chr14-61446381-C-T.
Other names: c.319G>A, p.Val107Ile (NM_001350253.1); c.316G>A, p.Val106Ile (NM_001350254.1); short protein forms V106I, V107I, V79I.
Identifiers: ClinVar variation 1717430 (VCV001717430.5), dbSNP rs1267682645, ClinGen allele CA389921355.

ClinVar aggregate classification (germline): Uncertain significance (1 of 4 stars; one submission).

Allele frequency attached by ClinVar (database versions not stated): gnomAD exomes below 0.00001.
gnomAD v4.1: 2 of 1,614,114 alleles (0.00012%); highest among the groups gnomAD compares: Admixed American, 0.0017%; no homozygotes.

Submission:

Labcorp Genetics (formerly Invitae), Labcorp
Classification: Uncertain significance. Last evaluated: 2024-11-11. Review status: criteria provided, single submitter. Criteria: Invitae Variant Classification Sherloc (09022015). Collection method: clinical testing. Allele origin: germline.
Comment: This sequence change replaces valine, which is neutral and non-polar, with isoleucine, which is neutral and non-polar, at codon 79 of the TRMT5 protein (p.Val79Ile). This variant is present in population databases (no rsID available, gnomAD 0.003%). This variant has not been reported in the literature in individuals affected with TRMT5-related conditions. ClinVar contains an entry for this variant (Variation ID: 1717430). An algorithm developed to predict the effect of missense changes on protein structure and function (PolyPhen-2) suggests that this variant is likely to be disruptive. In summary, the available evidence is currently insufficient to determine the role of this variant in disease. Therefore, it has been classified as a Variant of Uncertain Significance.